The following is an entry in ClinVar:

NM_001173990.3(TMEM216):c.211G>T (p.Val71Leu)

Gene: TMEM216 (transmembrane protein 216; plus strand). Cytogenetic location: 11q12.2.
Variant type: single nucleotide variant.
Coding change: c.211G>T on transcript NM_001173990.3 (MANE Select); coding-DNA position 211, G replaced by T.
Protein change: p.Val71Leu; replaces valine 71 with leucine.
Molecular consequence: missense variant.
Genome position (GRCh38, 1-based): chr11:61,393,958, G>T. VCF-style: chr11-61393958-G-T. GRCh37 (hg19) VCF-style: chr11-61161430-G-T.
Other names: p.Val71Leu; c.211G>T, p.Val71Leu (NM_001173991.3); c.28G>T, p.Val10Leu (NM_001330285.2, NM_016499.6); short protein forms V10L, V71L.
Identifiers: ClinVar variation 196320 (VCV000196320.21), dbSNP rs57932685, ClinGen allele CA202293.

ClinVar aggregate classification (germline): Conflicting classifications of pathogenicity. Review status: criteria provided, conflicting classifications (1 of 4 stars). 7 submissions from 7 submitters: Uncertain significance (1); Benign (1); Likely benign (4). 1 of the submissions does not count toward it. Last evaluated 2026-02-04.

Conditions:
Joubert syndrome. Also called: Familial aplasia of the vermis; JOUBERT-BOLTSHAUSER SYNDROME. Identifiers: Orphanet 475, MedGen C5979921, MONDO:0018772.
Joubert syndrome 2 (JBTS2). Also called: CEREBELLOOCULORENAL SYNDROME 2. Identifiers: Orphanet 2318, MedGen C1842577, MONDO:0011963, OMIM 608091.

Allele frequency attached by ClinVar (database versions not stated): gnomAD exomes 0.00022 and 0.00054; ExAC 0.00060; 1000 Genomes Project 30x 0.00172; 1000 Genomes Project 0.00180; gnomAD 0.00230 and 0.00251; TOPMed 0.00247; ESP Exome Variant Server 0.00255.

Submissions (7):

Labcorp Genetics (formerly Invitae), Labcorp
Classification: Likely benign for Joubert syndrome. Last evaluated: 2026-02-04. Review status: criteria provided, single submitter. Criteria: Invitae Variant Classification Sherloc (09022015). Collection method: clinical testing. Allele origin: germline.

Mayo Clinic Laboratories, Mayo Clinic
Classification: Likely benign. Last evaluated: 2025-08-05. Review status: criteria provided, single submitter. Criteria: ACMG Guidelines, 2015. Collection method: clinical testing. Allele origin: germline. Observed: 1 variant allele.
Comment: BA1, BP4

Blueprint Genetics
Classification: Likely benign. Last evaluated: 2024-10-18. Review status: criteria provided, single submitter. Criteria: ACMG Guidelines, 2015. Collection method: clinical testing. Allele origin: germline.

GeneDx
Classification: Uncertain significance. Last evaluated: 2017-01-24. Review status: criteria provided, single submitter. Criteria: GeneDx Variant Classification (06012015). Collection method: clinical testing. Allele origin: germline. Affected: yes.
Comment: The V71L variant has been previously reported as a benign polymorphism which showed stable expression of the protein similar to wild type expression (Valente et al., 2010). This variant is observed in 70/9798 (0.7%) alleles from individuals of African background (Lek et al., 2016; 1000 Genomes Consortium et al., 2015; Exome Variant Server). The V71L variant is a conservative amino acid substitution, which is not likely to impact secondary protein structure as these residues share similar properties. This substitution occurs at a position where amino acids with similar properties to Valine are tolerated across species. However, in silico analysis is inconsistent in its predictions as to whether or not the variant is damaging to the protein structure/function. Additionally, missense variants in a nearby residue (R73C/H/L) have been reported in Human Gene Mutation Database in association with Joubert syndrome (Stenson et al., 2014). Based on the currently available information, it is unclear whether the V71L variant is a pathogenic variant or a rare benign variant.

Eurofins Ntd Llc (ga)
Classification: Benign. Last evaluated: 2015-01-14. Review status: criteria provided, single submitter. Criteria: EGL Classification Definitions 2015. Collection method: clinical testing. Allele origin: germline. Observed: 1 variant allele, 1 heterozygote.

PreventionGenetics, part of Exact Sciences
Classification: Likely benign. Review status: criteria provided, single submitter. Criteria: ACMG Guidelines, 2015. Collection method: clinical testing. Allele origin: germline.

Natera, Inc.
Classification: Likely benign for Joubert syndrome type 2. Last evaluated: 2020-07-17. Review status: no assertion criteria provided. Collection method: clinical testing. Allele origin: germline. Not counted in ClinVar's aggregate classification.

Literature cited by the submitters: PubMed 20512146 (cited by Mayo Clinic Laboratories, Mayo Clinic).